The following is an entry in ClinVar:

NM_000396.4(CTSK):c.121-15C>G

Gene: CTSK (cathepsin K; minus strand). Cytogenetic location: 1q21.3.
Variant type: single nucleotide variant.
Coding change: c.121-15C>G on transcript NM_000396.4 (MANE Select); 15 bases into the intron before coding-DNA position 121, C replaced by G.
Molecular consequence: intron variant.
Genome position (GRCh38, 1-based): chr1:150,806,239, G>C on the plus strand (C>G on the coding strand, the complement: CTSK is on the minus strand). VCF-style: chr1-150806239-G-C. GRCh37 (hg19) VCF-style: chr1-150778715-G-C.
Identifiers: ClinVar variation 1417623 (VCV001417623.5), dbSNP rs761635015, ClinGen allele CA1080573.

ClinVar aggregate classification (germline): Uncertain significance (1 of 4 stars; one submission).

Allele frequency attached by ClinVar (database versions not stated): ExAC 0.00003; TOPMed 0.00003; gnomAD exomes 0.00006.
gnomAD v4.1: 15 of 1,613,544 alleles (0.00093%); highest among the groups gnomAD compares: Admixed American, 0.023%; no homozygotes.

Submission:

Labcorp Genetics (formerly Invitae), Labcorp
Classification: Uncertain significance. Last evaluated: 2022-08-16. Review status: criteria provided, single submitter. Criteria: Invitae Variant Classification Sherloc (09022015). Collection method: clinical testing. Allele origin: germline.
Comment: This sequence change falls in intron 2 of the CTSK gene. It does not directly change the encoded amino acid sequence of the CTSK protein. This variant is present in population databases (rs761635015, gnomAD 0.04%). This variant has not been reported in the literature in individuals affected with CTSK-related conditions. ClinVar contains an entry for this variant (Variation ID: 1417623). Algorithms developed to predict the effect of sequence changes on RNA splicing suggest that this variant may disrupt the consensus splice site. In summary, the available evidence is currently insufficient to determine the role of this variant in disease. Therefore, it has been classified as a Variant of Uncertain Significance.